The following is an entry in ClinVar:

ClinVar aggregate classification (germline): Uncertain significance. Review status: criteria provided, multiple submitters, no conflicts (2 of 4 stars). 2 submissions from 2 submitters: Uncertain significance (2). Last evaluated 2026-02-03.

Conditions:
Hereditary cancer-predisposing syndrome. Also called: Neoplastic Syndromes, Hereditary; Tumor predisposition; Hereditary neoplastic syndrome; Hereditary Cancer Syndrome. Identifiers: Orphanet 140162, MedGen C0027672, MeSH D009386, MONDO:0015356.
Familial meningioma. Also called: Meningioma, familial, susceptibility to. Identifiers: Orphanet 263662, MedGen C3551915, MONDO:0011789, OMIM 607174.

Submissions (2):

Ambry Genetics
Classification: Uncertain significance for Hereditary cancer-predisposing syndrome. Last evaluated: 2026-02-03. Review status: criteria provided, single submitter. Criteria: Ambry Variant Classification Scheme 2023. Collection method: clinical testing. Allele origin: germline.
Comment: The c.541+3A>G intronic variant results from an A to G substitution 3 nucleotides after coding exon 6 in the SMARCE1 gene. This nucleotide position is not well conserved in available vertebrate species. In silico splice site analysis predicts that this alteration will weaken the native splice donor site and will result in the creation or strengthening of a novel splice donor site. Based on the available evidence, the clinical significance of this variant remains unclear.

Labcorp Genetics (formerly Invitae), Labcorp
Classification: Uncertain significance for Familial meningioma. Last evaluated: 2024-10-24. Review status: criteria provided, single submitter. Criteria: Invitae Variant Classification Sherloc (09022015). Collection method: clinical testing. Allele origin: germline.
Comment: This sequence change falls in intron 7 of the SMARCE1 gene. It does not directly change the encoded amino acid sequence of the SMARCE1 protein. It affects a nucleotide within the consensus splice site. This variant is not present in population databases (gnomAD no frequency). This variant has not been reported in the literature in individuals affected with SMARCE1-related conditions. ClinVar contains an entry for this variant (Variation ID: 463428). Variants that disrupt the consensus splice site are a relatively common cause of aberrant splicing (PMID: 17576681, 9536098). Algorithms developed to predict the effect of sequence changes on RNA splicing suggest that this variant may disrupt the consensus splice site. In summary, the available evidence is currently insufficient to determine the role of this variant in disease. Therefore, it has been classified as a Variant of Uncertain Significance.

Literature cited by the submitters: PubMed 17576681 (cited by Labcorp Genetics (formerly Invitae), Labcorp); PubMed 9536098 (cited by Labcorp Genetics (formerly Invitae), Labcorp).

NM_003079.5(SMARCE1):c.541+3A>G

Gene: SMARCE1 (SWI/SNF related BAF chromatin remodeling complex subunit E1; minus strand). Cytogenetic location: 17q21.2.
Variant type: single nucleotide variant.
Coding change: c.541+3A>G on transcript NM_003079.5 (MANE Select); 3 bases into the intron after coding-DNA position 541, A replaced by G.
Molecular consequence: intron variant.
Genome position (GRCh38, 1-based): chr17:40,635,928, T>C on the plus strand (A>G on the coding strand, the complement: SMARCE1 is on the minus strand). VCF-style: chr17-40635928-T-C. GRCh37 (hg19) VCF-style: chr17-38792180-T-C.
Identifiers: ClinVar variation 463428 (VCV000463428.12), dbSNP rs1555605737, ClinGen allele CA658658617.
Genomic context (GRCh38, chr17:40,635,928, plus strand): 5'-GAGATTTCTCATATCTTAACTCACAGAGAAAGCATAAACAAAACCCCACTTTTTTTCTTT[T>C]ACCATCTGGATCTTCAGCAGGCTGAATGCTCATGTACGGTTCTCCTTTCTCCATGCGAGA-3'